The following is an entry in ClinVar:

NM_006445.4(PRPF8):c.4816A>G (p.Ile1606Val)

Gene: PRPF8 (pre-mRNA processing factor 8; minus strand). Cytogenetic location: 17p13.3.
Variant type: single nucleotide variant.
Coding change: c.4816A>G on transcript NM_006445.4 (MANE Select); coding-DNA position 4816, A replaced by G.
Protein change: p.Ile1606Val; replaces isoleucine 1606 with valine.
Molecular consequence: missense variant.
Genome position (GRCh38, 1-based): chr17:1,659,971, T>C on the plus strand (A>G on the coding strand, the complement: PRPF8 is on the minus strand). VCF-style: chr17-1659971-T-C. GRCh37 (hg19) VCF-style: chr17-1563265-T-C.
Other names: short protein forms I1606V.
Identifiers: ClinVar variation 2146170 (VCV002146170.4), dbSNP rs1185989720, ClinGen allele CA397574801.

ClinVar aggregate classification (germline): Uncertain significance (1 of 4 stars; one submission).

Allele frequency attached by ClinVar (database versions not stated): gnomAD exomes 0.00001; gnomAD 0.00003; TOPMed 0.00003.
gnomAD v4.1: 8 of 1,614,036 alleles (0.0005%); highest among the groups gnomAD compares: Admixed American, 0.0083%; no homozygotes.

Submission:

Labcorp Genetics (formerly Invitae), Labcorp
Classification: Uncertain significance. Last evaluated: 2024-02-23. Review status: criteria provided, single submitter. Criteria: Invitae Variant Classification Sherloc (09022015). Collection method: clinical testing. Allele origin: germline.
Comment: This sequence change replaces isoleucine, which is neutral and non-polar, with valine, which is neutral and non-polar, at codon 1606 of the PRPF8 protein (p.Ile1606Val). This variant is present in population databases (no rsID available, gnomAD 0.007%). This variant has not been reported in the literature in individuals affected with PRPF8-related conditions. ClinVar contains an entry for this variant (Variation ID: 2146170). Advanced modeling of protein sequence and biophysical properties (such as structural, functional, and spatial information, amino acid conservation, physicochemical variation, residue mobility, and thermodynamic stability) performed at Invitae indicates that this missense variant is not expected to disrupt PRPF8 protein function with a negative predictive value of 80%. In summary, the available evidence is currently insufficient to determine the role of this variant in disease. Therefore, it has been classified as a Variant of Uncertain Significance.